The following is an entry in ClinVar:

ClinVar aggregate classification (germline): Pathogenic/Likely pathogenic. Review status: criteria provided, multiple submitters, no conflicts (2 of 4 stars). 4 submissions from 4 submitters: Pathogenic (2); Likely pathogenic (2). Last evaluated 2025-10-23.

Conditions:
EPILEPSY, CHILDHOOD ABSENCE, SUSCEPTIBILITY TO, 2 (ECA2). Identifiers: Orphanet 64280, MedGen C1843244, OMIM 607681.
Febrile seizures, familial, 8 (FEB8). Also called: CONVULSIONS, FAMILIAL FEBRILE, 8. Identifiers: Orphanet 36387, MedGen C1969810, MONDO:0011891, OMIM 607681.
Inborn genetic diseases. Identifiers: MedGen C0950123, MeSH D030342.

Allele frequency attached by ClinVar (database versions not stated): gnomAD exomes below 0.00001.
gnomAD v4.1: 1 of 1,614,082 alleles (0.000062%); highest among the groups gnomAD compares: East Asian, 0.0022%; no homozygotes.

Submissions (4):

Ambry Genetics
Classification: Likely pathogenic for Inborn genetic diseases. Last evaluated: 2025-10-23. Review status: criteria provided, single submitter. Criteria: Ambry Variant Classification Scheme 2023. Collection method: clinical testing. Allele origin: germline.
Comment: The c.992A>G (p.Y331C) alteration is located in exon 8 (coding exon 8) of the GABRG2 gene. This alteration results from a A to G substitution at nucleotide position 992, causing the tyrosine (Y) at amino acid position 331 to be replaced by a cysteine (C). Based on data from gnomAD, the G allele has an overall frequency of <0.001% (1/251276) total alleles studied. The highest observed frequency was 0.005% (1/18384) of East Asian alleles. This variant was reported in individual(s) with features consistent with GABRG2-related seizure disorders; in at least one individual, it was determined to be de novo (Maillard, 2022). This amino acid position is highly conserved in available vertebrate species. This missense alteration is located in a region that has a low rate of benign missense variation (Lek, 2016; Firth, 2009). This alteration is predicted to be deleterious by in silico analysis. Based on the available evidence, this alteration is classified as likely pathogenic.

Labcorp Genetics (formerly Invitae), Labcorp
Classification: Pathogenic for Febrile seizures, familial, 8; EPILEPSY, CHILDHOOD ABSENCE, SUSCEPTIBILITY TO, 2. Last evaluated: 2025-10-01. Review status: criteria provided, single submitter. Criteria: Invitae Variant Classification Sherloc (09022015). Collection method: clinical testing. Allele origin: germline.
Comment: This sequence change replaces tyrosine, which is neutral and polar, with cysteine, which is neutral and slightly polar, at codon 331 of the GABRG2 protein (p.Tyr331Cys). This variant is present in population databases (no rsID available, gnomAD 0.006%). This missense change has been observed in individual(s) with generalized epilepsy with febrile seizure plus (PMID: 35718920). In at least one individual the variant was observed to be de novo. ClinVar contains an entry for this variant (Variation ID: 809836). Invitae Evidence Modeling of protein sequence and biophysical properties (such as structural, functional, and spatial information, amino acid conservation, physicochemical variation, residue mobility, and thermodynamic stability) indicates that this missense variant is expected to disrupt GABRG2 protein function with a positive predictive value of 95%. For these reasons, this variant has been classified as Pathogenic.

GeneDx
Classification: Pathogenic. Last evaluated: 2025-02-11. Review status: criteria provided, single submitter. Criteria: GeneDx Variant Classification Process June 2021. Collection method: clinical testing. Allele origin: germline. Affected: yes.
Comment: Not observed at significant frequency in large population cohorts (gnomAD); In silico analysis supports that this missense variant has a deleterious effect on protein structure/function; This variant is associated with the following publications: (PMID: 35718920, 39228214)

CeGaT Center for Human Genetics Tuebingen
Classification: Likely pathogenic. Last evaluated: 2023-10-01. Review status: criteria provided, single submitter. Criteria: CeGaT Center For Human Genetics Tuebingen Variant Classification Criteria Version 2. Collection method: clinical testing. Allele origin: germline. Affected: yes. Observed: 2 variant alleles.
Comment: GABRG2: PM2, PM6, PP2, PP3, PS4:Supporting

Literature cited by the submitters: PubMed 35718920 (cited by Ambry Genetics and Labcorp Genetics (formerly Invitae), Labcorp).

NM_198904.4(GABRG2):c.992A>G (p.Tyr331Cys)

Gene: GABRG2 (gamma-aminobutyric acid type A receptor subunit gamma2; plus strand). Cytogenetic location: 5q34.
Variant type: single nucleotide variant.
Coding change: c.992A>G on transcript NM_198904.4 (MANE Select); coding-DNA position 992, A replaced by G.
Protein change: p.Tyr331Cys; replaces tyrosine 331 with cysteine.
Molecular consequence: missense variant. On other transcripts: intron variant (1).
Genome position (GRCh38, 1-based): chr5:162,149,177, A>G. VCF-style: chr5-162149177-A-G. GRCh37 (hg19) VCF-style: chr5-161576183-A-G.
Other names: c.992A>G, p.Tyr331Cys (NM_000816.3); c.983A>G, p.Tyr328Cys (NM_001375339.1); c.989A>G, p.Tyr330Cys (NM_001375341.1, NM_001375342.1); c.1112A>G, p.Tyr371Cys (NM_001375343.1, NM_198903.2); c.1031A>G, p.Tyr344Cys (NM_001375344.1); c.926A>G, p.Tyr309Cys (NM_001375345.1, NM_001375346.1); c.905A>G, p.Tyr302Cys (NM_001375347.1); c.572A>G, p.Tyr191Cys (NM_001375348.1, NM_001375350.1); and 2 more; short protein forms Y191C, Y236C, Y344C, Y309C, Y330C, Y331C, Y328C, Y302C.
Identifiers: ClinVar variation 809836 (VCV000809836.49), dbSNP rs1390117240, ClinGen allele CA362182438.
Genomic context (GRCh38, chr5:162,149,177, plus strand): 5'-CTGTCCTGACAATGACCACCCTCAGCACCATTGCCCGGAAATCGCTCCCCAAGGTCTCCT[A>G]TGTCACAGCGATGGATCTCTTTGTATCTGTTTGTTTCATCTTTGTCTTCTCTGCTCTGGT-3'
Protein context (NP_944494.1, residues 321-341): IARKSLPKVS[Tyr331Cys]VTAMDLFVSV